The following is an entry in ClinVar:

NM_000243.3(MEFV):c.1004C>A (p.Pro335His)

Gene: MEFV (MEFV innate immunity regulator, pyrin; minus strand). Cytogenetic location: 16p13.3.
Variant type: single nucleotide variant.
Coding change: c.1004C>A on transcript NM_000243.3 (MANE Select); coding-DNA position 1004, C replaced by A.
Protein change: p.Pro335His; replaces proline 335 with histidine.
Molecular consequence: missense variant.
Genome position (GRCh38, 1-based): chr16:3,249,687, G>T on the plus strand (C>A on the coding strand, the complement: MEFV is on the minus strand). VCF-style: chr16-3249687-G-T. GRCh37 (hg19) VCF-style: chr16-3299687-G-T.
Other names: c.371C>A, p.Pro124His (NM_001198536.2); short protein forms P335H, P124H.
Identifiers: ClinVar variation 2917050 (VCV002917050.2), dbSNP rs1437655363, ClinGen allele CA394471256.

ClinVar aggregate classification (germline): Uncertain significance. Review status: criteria provided, multiple submitters, no conflicts (2 of 4 stars). 2 submissions from 2 submitters: Uncertain significance (2). Last evaluated 2024-05-14.

Conditions:
Familial Mediterranean fever, autosomal dominant. Also called: FMF, AUTOSOMAL DOMINANT; Dominant Familial Mediterranean Fever. Identifiers: Orphanet 342, MedGen C1851347, MONDO:0007601, OMIM 134610.
Acute febrile neutrophilic dermatosis (AFND). Also called: Sweet Syndrome; Gomm Button disease. Identifiers: Orphanet 3243, MedGen C0085077, MONDO:0011959, OMIM 608068.
Familial Mediterranean fever (FMF). Also called: POLYSEROSITIS, FAMILIAL PAROXYSMAL; POLYSEROSITIS, RECURRENT; Periodic peritonitis; Benign paroxysmal peritonitis. Identifiers: Orphanet 342, MedGen C0031069, MONDO:0018088, OMIM 249100. Disease mechanism: gain of function.

Allele frequency attached by ClinVar (database versions not stated): gnomAD exomes below 0.00001; gnomAD 0.00002.
gnomAD v4.1: 4 of 1,612,922 alleles (0.00025%); highest among the groups gnomAD compares: Middle Eastern, 0.016%; no homozygotes.

Submissions (2):

Fulgent Genetics
Classification: Uncertain significance for Familial Mediterranean fever, autosomal dominant; Familial Mediterranean fever; Acute febrile neutrophilic dermatosis. Last evaluated: 2024-05-14. Review status: criteria provided, single submitter. Criteria: ACMG Guidelines, 2015. Collection method: clinical testing. Allele origin: germline.

Labcorp Genetics (formerly Invitae), Labcorp
Classification: Uncertain significance for Familial Mediterranean fever. Last evaluated: 2023-05-01. Review status: criteria provided, single submitter. Criteria: Invitae Variant Classification Sherloc (09022015). Collection method: clinical testing. Allele origin: germline.
Comment: In summary, the available evidence is currently insufficient to determine the role of this variant in disease. Therefore, it has been classified as a Variant of Uncertain Significance. An algorithm developed to predict the effect of missense changes on protein structure and function (PolyPhen-2) suggests that this variant is likely to be disruptive. This variant has not been reported in the literature in individuals affected with MEFV-related conditions. This variant is not present in population databases (gnomAD no frequency). This sequence change replaces proline, which is neutral and non-polar, with histidine, which is basic and polar, at codon 335 of the MEFV protein (p.Pro335His).